The following is an entry in ClinVar:

NM_003072.5(SMARCA4):c.1373A>G (p.Lys458Arg)

Gene: SMARCA4 (SWI/SNF related BAF chromatin remodeling complex subunit ATPase 4; plus strand). Cytogenetic location: 19p13.2.
Variant type: single nucleotide variant.
Coding change: c.1373A>G on transcript NM_003072.5 (MANE Select); coding-DNA position 1373, A replaced by G.
Protein change: p.Lys458Arg; replaces lysine 458 with arginine.
Molecular consequence: missense variant. On other transcripts: non-coding transcript variant (1).
Genome position (GRCh38, 1-based): chr19:10,991,277, A>G. VCF-style: chr19-10991277-A-G. GRCh37 (hg19) VCF-style: chr19-11101953-A-G.
Other names: c.1373A>G, p.Lys458Arg (NM_001128844.3, NM_001128845.2, NM_001128846.2 and 6 more transcripts); short protein forms K458R.
Identifiers: ClinVar variation 3233065 (VCV003233065.1), dbSNP rs754079598, ClinGen allele CA9203758.

ClinVar aggregate classification (germline): Uncertain significance (1 of 4 stars; one submission).

Conditions:
Hereditary cancer-predisposing syndrome. Also called: Neoplastic Syndromes, Hereditary; Tumor predisposition; Hereditary neoplastic syndrome; Hereditary Cancer Syndrome. Identifiers: Orphanet 140162, MedGen C0027672, MeSH D009386, MONDO:0015356.

Allele frequency attached by ClinVar (database versions not stated): gnomAD exomes below 0.00001; ExAC 0.00001.
gnomAD v4.1: 1 of 1,611,728 alleles (0.000062%); highest among the groups gnomAD compares: Admixed American, 0.0017%; no homozygotes.

Submission:

Ambry Genetics
Classification: Uncertain significance for Hereditary cancer-predisposing syndrome. Last evaluated: 2024-02-07. Review status: criteria provided, single submitter. Criteria: Ambry Variant Classification Scheme 2023. Collection method: clinical testing. Allele origin: germline.
Comment: The p.K458R variant (also known as c.1373A>G), located in coding exon 7 of the SMARCA4 gene, results from an A to G substitution at nucleotide position 1373. The lysine at codon 458 is replaced by arginine, an amino acid with highly similar properties. This amino acid position is highly conserved in available vertebrate species. In addition, this alteration is predicted to be tolerated by in silico analysis. Based on the available evidence, the clinical significance of this alteration remains unclear.